The following is an entry in ClinVar:

ClinVar aggregate classification (germline): Likely pathogenic. Review status: criteria provided, multiple submitters, no conflicts (2 of 4 stars). 2 submissions from 2 submitters: Likely pathogenic (2). Last evaluated 2024-05-16.

Conditions:
Dilated cardiomyopathy 1G (CMD1G). Identifiers: Orphanet 154, MedGen C1858763, MONDO:0011400, OMIM 604145.
Autosomal recessive limb-girdle muscular dystrophy type 2J (LGMDR10). Also called: Limb-girdle muscular dystrophy, type 2J; MUSCULAR DYSTROPHY, LIMB-GIRDLE, AUTOSOMAL RECESSIVE 10. Identifiers: Orphanet 140922, MedGen C1837342, MONDO:0012127, OMIM 608807.

Submissions (2):

GeneDx
Classification: Likely pathogenic. Last evaluated: 2024-05-16. Review status: criteria provided, single submitter. Criteria: GeneDx Variant Classification Process June 2021. Collection method: clinical testing. Allele origin: germline. Affected: yes.
Comment: Frameshift variant predicted to result in protein truncation or nonsense mediated decay in a gene for which loss of function is a known mechanism of disease; Located in the A-band region of TTN in which the majority of loss of function variants have been associated with autosomal dominant titinopathies (PMID: 22335739); Not observed at significant frequency in large population cohorts (gnomAD); Has not been previously published as pathogenic or benign to our knowledge; This variant is associated with the following publications: (PMID: 22335739)

Labcorp Genetics (formerly Invitae), Labcorp
Classification: Likely pathogenic for Dilated cardiomyopathy 1G; Autosomal recessive limb-girdle muscular dystrophy type 2J. Last evaluated: 2024-03-18. Review status: criteria provided, single submitter. Criteria: Invitae Variant Classification Sherloc (09022015). Collection method: clinical testing. Allele origin: germline.
Comment: This sequence change creates a premature translational stop signal (p.Thr18044Serfs*17) in the TTN gene. While this is not anticipated to result in nonsense mediated decay, it is expected to create a truncated TTN protein. This variant is not present in population databases (gnomAD no frequency). This variant has not been reported in the literature in individuals affected with TTN-related conditions. This variant is located in the A band of TTN (PMID: 25589632). Truncating variants in this region are significantly overrepresented in patients affected with dilated cardiomyopathy (PMID: 25589632). Truncating variants in this region have also been reported in individuals affected with autosomal recessive centronuclear myopathy (PMID: 23975875). In summary, the currently available evidence indicates that the variant is pathogenic, but additional data are needed to prove that conclusively. Therefore, this variant has been classified as Likely Pathogenic.

Literature cited by the submitters: PubMed 25589632 (cited by Labcorp Genetics (formerly Invitae), Labcorp); PubMed 23975875 (cited by Labcorp Genetics (formerly Invitae), Labcorp).

NM_001267550.2(TTN):c.54131_54132del (p.Thr18044fs)

Genes: TTN-AS1 (TTN antisense RNA 1; plus strand), TTN (titin; minus strand). Cytogenetic location: 2q31.2.
Variant type: Microsatellite.
Coding change: c.54131_54132del on transcript NM_001267550.2 (MANE Select); coding-DNA positions 54131 to 54132, 2 bases deleted (CA; older notation c.54131_54132delCA).
Protein change: p.Thr18044fs; shifts the reading frame from threonine 18044.
Molecular consequence: frameshift variant. On other transcripts: non-coding transcript variant (1).
Genome position (GRCh38, 1-based): chr2:178,605,045-178,605,046, TG deleted on the plus strand (CA on the coding strand, the reverse complement: TTN is on the minus strand); deleting any 2 consecutive bases within chr2:178,605,045-178,605,049 gives the same sequence; the c. name uses the placement nearest the transcript's 3' end. VCF-style (leftmost placement, unchanged base first): chr2-178605044-CTG-C. GRCh37 (hg19) VCF-style: chr2-179469771-CTG-C.
Other names: c.49208_49209del, p.Thr16403fs (NM_001256850.1); c.54128_54129AC[1], p.Thr18044Serfs (NM_001267550.1); c.26936_26937del, p.Thr8979fs (NM_003319.4); c.46427_46428del, p.Thr15476fs (NM_133378.4); c.27311_27312del, p.Thr9104fs (NM_133432.3); c.27512_27513del, p.Thr9171fs (NM_133437.4); c.54131_54132del (NM_001267550.1); short protein forms T15476fs, T16403fs, T18044fs, T8979fs, T9104fs, T9171fs.
Identifiers: ClinVar variation 3383495 (VCV003383495.3).